The following is an entry in ClinVar:

ClinVar aggregate classification (germline): Uncertain significance (1 of 4 stars; one submission).

Conditions:
Early Myoclonic Encephalopathy. Identifiers: MedGen C0270855.

Submission:

Labcorp Genetics (formerly Invitae), Labcorp
Classification: Uncertain significance for Early Myoclonic Encephalopathy. Last evaluated: 2021-09-01. Review status: criteria provided, single submitter. Criteria: Invitae Variant Classification Sherloc (09022015). Collection method: clinical testing. Allele origin: germline.
Comment: This sequence change falls in intron 3 of the KCND2 gene. It does not directly change the encoded amino acid sequence of the KCND2 protein. It affects a nucleotide within the consensus splice site of the intron. This variant is not present in population databases (ExAC no frequency). This variant has not been reported in the literature in individuals affected with KCND2-related conditions. Variants that disrupt the consensus splice site are a relatively common cause of aberrant splicing (PMID: 17576681, 9536098). Algorithms developed to predict the effect of sequence changes on RNA splicing suggest that this variant is not likely to affect RNA splicing. In summary, the available evidence is currently insufficient to determine the role of this variant in disease. Therefore, it has been classified as a Variant of Uncertain Significance.

Literature cited by the submitters: PubMed 17576681; PubMed 9536098.

NM_012281.3(KCND2):c.1374+6A>C

Gene: KCND2 (potassium voltage-gated channel subfamily D member 2; plus strand). Cytogenetic location: 7q31.31.
Variant type: single nucleotide variant.
Coding change: c.1374+6A>C on transcript NM_012281.3 (MANE Select); 6 bases into the intron after coding-DNA position 1374, A replaced by C.
Molecular consequence: intron variant.
Genome position (GRCh38, 1-based): chr7:120,741,635, A>C. VCF-style: chr7-120741635-A-C. GRCh37 (hg19) VCF-style: chr7-120381689-A-C.
Identifiers: ClinVar variation 862415 (VCV000862415.6), dbSNP rs1792942762, ClinGen allele CA916082949.